The following is an entry in ClinVar:

ClinVar aggregate classification (germline): Likely benign. Review status: criteria provided, multiple submitters, no conflicts (2 of 4 stars). 8 submissions from 8 submitters: Likely benign (6). 2 of the submissions do not count toward it. Last evaluated 2025-04-09.

Conditions:
Cardiovascular phenotype. Identifiers: MedGen CN230736.
Catecholaminergic polymorphic ventricular tachycardia (CVPT). Also called: Catecholamine-induced polymorphic ventricular tachycardia. Identifiers: Orphanet 3286, MedGen C5574922, MONDO:0017990.
Catecholaminergic polymorphic ventricular tachycardia 1. Also called: VENTRICULAR TACHYCARDIA, CATECHOLAMINERGIC POLYMORPHIC, 1, WITH OR WITHOUT ATRIAL DYSFUNCTION AND/OR DILATED CARDIOMYOPATHY; RYR2-Related Catecholaminergic Polymorphic Ventricular Tachycardia; VENTRICULAR TACHYCARDIA, STRESS-INDUCED POLYMORPHIC 1. Identifiers: Orphanet 3286, MedGen C1631597, MONDO:0011484, OMIM 604772.
Cardiomyopathy (CMYO). Also called: Cardiomyopathies. Identifiers: Orphanet 167848, MedGen C0878544, MONDO:0004994, HP:0001638. Inheritance: Various modes of inheritance.

gnomAD v4.1: 11 of 1,613,784 alleles (0.00068%); highest among the groups gnomAD compares: African/African-American, 0.0013%; no homozygotes.

Submissions (8):

Molecular Diagnostic Laboratory for Inherited Cardiovascular Disease, Montreal Heart Institute
Classification: Likely benign. Last evaluated: 2025-04-09. Review status: criteria provided, single submitter. Criteria: ACMG Guidelines, 2015. Collection method: clinical testing. Allele origin: germline. Affected: no.
Comment: BP6;BP7

Labcorp Genetics (formerly Invitae), Labcorp
Classification: Likely benign for Catecholaminergic polymorphic ventricular tachycardia 1. Last evaluated: 2024-11-11. Review status: criteria provided, single submitter. Criteria: Invitae Variant Classification Sherloc (09022015). Collection method: clinical testing. Allele origin: germline.

All of Us Research Program, National Institutes of Health
Classification: Likely benign for Catecholaminergic polymorphic ventricular tachycardia. Last evaluated: 2024-07-29. Review status: criteria provided, single submitter. Criteria: ACMG Guidelines, 2015. Collection method: clinical testing. Allele origin: germline. Inheritance: Autosomal dominant inheritance. Observed: 1 variant allele, 1 heterozygote.
Comment: This study involves interpretation of variants in research participants for the purpose of population health screening. Participant phenotype was not available at the time of variant classification. Additional details can be found in publication PMID: 35346344, PMCID: PMC8962531

Blueprint Genetics
Classification: Likely benign. Last evaluated: 2023-08-02. Review status: criteria provided, single submitter. Criteria: ACMG Guidelines, 2015. Collection method: clinical testing. Allele origin: germline.

Color Diagnostics, LLC DBA Color Health
Classification: Likely benign for Cardiomyopathy. Last evaluated: 2021-02-16. Review status: criteria provided, single submitter. Criteria: ACMG Guidelines, 2015. Collection method: clinical testing. Allele origin: germline.

Ambry Genetics
Classification: Likely benign for Cardiovascular phenotype. Last evaluated: 2021-01-04. Review status: criteria provided, single submitter. Criteria: Ambry Variant Classification Scheme 2023. Collection method: clinical testing. Allele origin: germline.

Clinical Genetics DNA and cytogenetics Diagnostics Lab, Erasmus MC, Erasmus Medical Center
Classification: Likely benign. Review status: no assertion criteria provided. Collection method: clinical testing. Allele origin: germline. Affected: yes. Study: VKGL Data-share Consensus. Not counted in ClinVar's aggregate classification.

Clinical Genetics, Academic Medical Center
Classification: Benign. Review status: no assertion criteria provided. Collection method: clinical testing. Allele origin: germline. Affected: yes. Study: VKGL Data-share Consensus. Not counted in ClinVar's aggregate classification.

NM_001035.3(RYR2):c.3270C>T (p.Ala1090=)

Gene: RYR2 (ryanodine receptor 2; plus strand). Cytogenetic location: 1q43.
Variant type: single nucleotide variant.
Coding change: c.3270C>T on transcript NM_001035.3 (MANE Select); coding-DNA position 3270, C replaced by T.
Protein change: p.Ala1090=; no amino-acid change (alanine 1090 retained).
Molecular consequence: synonymous variant.
Genome position (GRCh38, 1-based): chr1:237,566,622, C>T. VCF-style: chr1-237566622-C-T. GRCh37 (hg19) VCF-style: chr1-237729922-C-T.
Other names: c.3270C>T (NM_001035.2).
Identifiers: ClinVar variation 1172224 (VCV001172224.19), dbSNP rs1344074824, ClinGen allele CA423819141.
Genomic context (GRCh38, chr1:237,566,622, plus strand): 5'-CCCAGCAGCCAGAGCCGAAGTGTGCAGCGGCACCGGGGAAAGGTTCCGAATCTTCCGTGC[C>T]GAGAAGACCTATGCAGTGAAGGCCGGACGGTGGTATTTTGAATTTGAGACGGTCACTGCT-3'
Protein context (NP_001026.2, residues 1080-1100): GTGERFRIFR[Ala1090=]EKTYAVKAGR